The following is an entry in ClinVar:

ClinVar aggregate classification (germline): Uncertain significance (1 of 4 stars; one submission).

gnomAD v4.1: 5 of 1,614,088 alleles (0.00031%); highest among the groups gnomAD compares: African/African-American, 0.0053%; no homozygotes.

Submission:

Labcorp Genetics (formerly Invitae), Labcorp
Classification: Uncertain significance. Last evaluated: 2024-02-09. Review status: criteria provided, single submitter. Criteria: Invitae Variant Classification Sherloc (09022015). Collection method: clinical testing. Allele origin: germline.
Comment: This sequence change replaces glycine, which is neutral and non-polar, with tryptophan, which is neutral and slightly polar, at codon 661 of the LRRK1 protein (p.Gly661Trp). This variant is present in population databases (no rsID available, gnomAD 0.004%). This variant has not been reported in the literature in individuals affected with LRRK1-related conditions. An algorithm developed to predict the effect of missense changes on protein structure and function (PolyPhen-2) suggests that this variant is likely to be disruptive. In summary, the available evidence is currently insufficient to determine the role of this variant in disease. Therefore, it has been classified as a Variant of Uncertain Significance.

NM_024652.6(LRRK1):c.1981G>T (p.Gly661Trp)

Gene: LRRK1 (leucine rich repeat kinase 1; plus strand). Cytogenetic location: 15q26.3.
Variant type: single nucleotide variant.
Coding change: c.1981G>T on transcript NM_024652.6 (MANE Select); coding-DNA position 1981, G replaced by T.
Protein change: p.Gly661Trp; replaces glycine 661 with tryptophan.
Molecular consequence: missense variant.
Genome position (GRCh38, 1-based): chr15:101,022,511, G>T. VCF-style: chr15-101022511-G-T. GRCh37 (hg19) VCF-style: chr15-101562716-G-T.
Other names: short protein forms G661W.
Identifiers: ClinVar variation 3607608 (VCV003607608.2).
Genomic context (GRCh38, chr15:101,022,511, plus strand): 5'-ATGATCATCGTGGGTCCCCCGCGCCAGGGCAAGTCCACCCTCCTGGAGATCTTACAGACG[G>T]GGAGGGCCCCCCAGGTGGTGCATGGAGAGGCCACCATCAGGACCACCAAGTGGGAGCTCC-3'
Protein context (NP_078928.3, residues 651-671): KSTLLEILQT[Gly661Trp]RAPQVVHGEA